The following is an entry in ClinVar:

NM_002602.4(PDE6G):c.238G>A (p.Glu80Lys)

Gene: PDE6G (phosphodiesterase 6G; minus strand). Cytogenetic location: 17q25.3.
Variant type: single nucleotide variant.
Coding change: c.238G>A on transcript NM_002602.4 (MANE Select); coding-DNA position 238, G replaced by A.
Protein change: p.Glu80Lys; replaces glutamic acid 80 with lysine.
Molecular consequence: missense variant. On other transcripts: non-coding transcript variant (2).
Genome position (GRCh38, 1-based): chr17:81,651,100, C>T on the plus strand (G>A on the coding strand, the complement: PDE6G is on the minus strand). VCF-style: chr17-81651100-C-T. GRCh37 (hg19) VCF-style: chr17-79618130-C-T.
Other names: c.238G>A, p.Glu80Lys (NM_001365724.1, NM_001365725.1); short protein forms E80K.
Identifiers: ClinVar variation 1388924 (VCV001388924.6), dbSNP rs1327309562, ClinGen allele CA401473829.

ClinVar aggregate classification (germline): Uncertain significance (1 of 4 stars; one submission).

Allele frequency attached by ClinVar (database versions not stated): gnomAD 0.00001; gnomAD exomes 0.00002.

Submission:

Labcorp Genetics (formerly Invitae), Labcorp
Classification: Uncertain significance. Last evaluated: 2021-10-24. Review status: criteria provided, single submitter. Criteria: Invitae Variant Classification Sherloc (09022015). Collection method: clinical testing. Allele origin: germline.
Comment: In summary, the available evidence is currently insufficient to determine the role of this variant in disease. Therefore, it has been classified as a Variant of Uncertain Significance. Algorithms developed to predict the effect of missense changes on protein structure and function are either unavailable or do not agree on the potential impact of this missense change (SIFT: "Deleterious"; PolyPhen-2: "Benign"; Align-GVGD: "Class C55"). This variant has not been reported in the literature in individuals affected with PDE6G-related conditions. This variant is present in population databases (no rsID available, gnomAD 0.02%). This sequence change replaces glutamic acid, which is acidic and polar, with lysine, which is basic and polar, at codon 80 of the PDE6G protein (p.Glu80Lys).